The following is an entry in ClinVar:

NM_177550.5(SLC13A5):c.629T>C (p.Leu210Pro)

Gene: SLC13A5 (solute carrier family 13 member 5; minus strand). Cytogenetic location: 17p13.1.
Variant type: single nucleotide variant.
Coding change: c.629T>C on transcript NM_177550.5 (MANE Select); coding-DNA position 629, T replaced by C.
Protein change: p.Leu210Pro; replaces leucine 210 with proline.
Molecular consequence: missense variant.
Genome position (GRCh38, 1-based): chr17:6,703,057, A>G on the plus strand (T>C on the coding strand, the complement: SLC13A5 is on the minus strand). VCF-style: chr17-6703057-A-G. GRCh37 (hg19) VCF-style: chr17-6606376-A-G.
Other names: c.629T>C, p.Leu210Pro (NM_001143838.3); c.578T>C, p.Leu193Pro (NM_001284509.2); c.500T>C, p.Leu167Pro (NM_001284510.2); short protein forms L167P, L210P, L193P.
Identifiers: ClinVar variation 2752008 (VCV002752008.3), dbSNP rs1437917977, ClinGen allele CA397749144.

ClinVar aggregate classification (germline): Uncertain significance (1 of 4 stars; one submission).

Conditions:
Developmental and epileptic encephalopathy, 25 (DEE25). Also called: Epileptic encephalopathy, early infantile, 25; Developmental and epileptic encephalopathy 25, with amelogenesis imperfecta; Epileptic encephalopathy, early infantile, 25, with amelogenesis imperfecta. Identifiers: Orphanet 442835, MedGen C4014621, MONDO:0014392, OMIM 615905.

Allele frequency attached by ClinVar (database versions not stated): gnomAD 0.00001; TOPMed 0.00001.
gnomAD v4.1: 2 of 1,614,060 alleles (0.00012%); highest among the groups gnomAD compares: Non-Finnish European, 0.00017%; no homozygotes.

Submission:

Labcorp Genetics (formerly Invitae), Labcorp
Classification: Uncertain significance for Developmental and epileptic encephalopathy, 25. Last evaluated: 2023-08-19. Review status: criteria provided, single submitter. Criteria: Invitae Variant Classification Sherloc (09022015). Collection method: clinical testing. Allele origin: germline.
Comment: In summary, the available evidence is currently insufficient to determine the role of this variant in disease. Therefore, it has been classified as a Variant of Uncertain Significance. Advanced modeling of protein sequence and biophysical properties (such as structural, functional, and spatial information, amino acid conservation, physicochemical variation, residue mobility, and thermodynamic stability) performed at Invitae indicates that this missense variant is expected to disrupt SLC13A5 protein function. This variant has not been reported in the literature in individuals affected with SLC13A5-related conditions. This variant is not present in population databases (gnomAD no frequency). This sequence change replaces leucine, which is neutral and non-polar, with proline, which is neutral and non-polar, at codon 210 of the SLC13A5 protein (p.Leu210Pro).